The following is an entry in ClinVar:

NM_000038.6(APC):c.4332A>C (p.Gln1444His)

Gene: APC (APC regulator of Wnt signaling pathway; plus strand). Cytogenetic location: 5q22.2.
Variant type: single nucleotide variant.
Coding change: c.4332A>C on transcript NM_000038.6 (MANE Select); coding-DNA position 4332, A replaced by C.
Protein change: p.Gln1444His; replaces glutamine 1444 with histidine.
Molecular consequence: missense variant.
Genome position (GRCh38, 1-based): chr5:112,839,926, A>C. VCF-style: chr5-112839926-A-C. GRCh37 (hg19) VCF-style: chr5-112175623-A-C.
Other names: c.4332A>C, p.Gln1444His (NM_001127510.3, NM_001354895.2); c.4278A>C, p.Gln1426His (NM_001127511.3); c.4386A>C, p.Gln1462His (NM_001354896.2); c.4362A>C, p.Gln1454His (NM_001354897.2); c.4257A>C, p.Gln1419His (NM_001354898.2); c.4248A>C, p.Gln1416His (NM_001354899.2); c.4209A>C, p.Gln1403His (NM_001354900.2); c.4155A>C, p.Gln1385His (NM_001354901.2); and 5 more; short protein forms Q1161H, Q1462H, Q1318H, Q1419H, Q1454H, Q1403H, Q1426H, Q1444H.
Identifiers: ClinVar variation 941479 (VCV000941479.14), dbSNP rs748342378, ClinGen allele CA038623.

ClinVar aggregate classification (germline): Uncertain significance. Review status: criteria provided, multiple submitters, no conflicts (2 of 4 stars). 2 submissions from 2 submitters: Uncertain significance (2). Last evaluated 2025-03-06.

Conditions:
Familial adenomatous polyposis 1 (FAP1). Also called: FAMILIAL ADENOMATOUS POLYPOSIS 1, ATTENUATED; POLYPOSIS, ADENOMATOUS INTESTINAL. Identifiers: MedGen C2713442, MONDO:0021056, OMIM 175100. Disease mechanism: loss of function.
Hereditary cancer-predisposing syndrome. Also called: Hereditary neoplastic syndrome; Neoplastic Syndromes, Hereditary; Tumor predisposition; Hereditary Cancer Syndrome. Identifiers: Orphanet 140162, MedGen C0027672, MeSH D009386, MONDO:0015356.

gnomAD v4.1: 2 of 1,614,034 alleles (0.00012%); highest among the groups gnomAD compares: Non-Finnish European, 0.000085%; no homozygotes.

Submissions (2):

Ambry Genetics
Classification: Uncertain significance for Hereditary cancer-predisposing syndrome. Last evaluated: 2025-03-06. Review status: criteria provided, single submitter. Criteria: Ambry Variant Classification Scheme 2023. Collection method: clinical testing. Allele origin: germline.
Comment: The p.Q1444H variant (also known as c.4332A>C), located in coding exon 15 of the APC gene, results from an A to C substitution at nucleotide position 4332. The glutamine at codon 1444 is replaced by histidine, an amino acid with highly similar properties. This amino acid position is well conserved in available vertebrate species. In addition, in silico predictors for this gene do not accurately predict pathogenicity. Missense alterations in APC are not a common cause of disease (Spier I et al. Genet Med. 2024 Feb;26(2):100992). Based on the available evidence, the clinical significance of this variant remains unclear.

Labcorp Genetics (formerly Invitae), Labcorp
Classification: Uncertain significance for Familial adenomatous polyposis 1. Last evaluated: 2024-05-29. Review status: criteria provided, single submitter. Criteria: Invitae Variant Classification Sherloc (09022015). Collection method: clinical testing. Allele origin: germline.
Comment: This sequence change replaces glutamine, which is neutral and polar, with histidine, which is basic and polar, at codon 1444 of the APC protein (p.Gln1444His). This variant is present in population databases (rs748342378, gnomAD 0.0009%). This variant has not been reported in the literature in individuals affected with APC-related conditions. ClinVar contains an entry for this variant (Variation ID: 941479). Advanced modeling of protein sequence and biophysical properties (such as structural, functional, and spatial information, amino acid conservation, physicochemical variation, residue mobility, and thermodynamic stability) performed at Invitae indicates that this missense variant is not expected to disrupt APC protein function with a negative predictive value of 95%. In summary, the available evidence is currently insufficient to determine the role of this variant in disease. Therefore, it has been classified as a Variant of Uncertain Significance.